The following is an entry in ClinVar:

ClinVar aggregate classification (germline): Uncertain significance. Review status: criteria provided, multiple submitters, no conflicts (2 of 4 stars). 3 submissions from 3 submitters: Uncertain significance (3). Last evaluated 2022-11-03.

Conditions:
Sphingolipid activator protein 1 deficiency. Also called: Metachromatic leukodystrophy due to saposin B deficiency; METACHROMATIC LEUKODYSTROPHY DUE TO CEREBROSIDE SULFATASE ACTIVATOR DEFICIENCY; Saposin B Deficiency. Identifiers: Orphanet 512, MedGen C0268262, MONDO:0009590, OMIM 249900.
Combined PSAP deficiency (PSAPD). Also called: COMBINED SAP DEFICIENCY; Encephalopathy due to prosaposin deficiency; PROSAPOSIN DEFICIENCY. Identifiers: Orphanet 139406, MedGen C2673635, MONDO:0012719, OMIM 611721.

Allele frequency attached by ClinVar (database versions not stated): gnomAD 0.00005; TOPMed 0.00005; gnomAD exomes 0.00008; ExAC 0.00026.
gnomAD v4.1: 148 of 1,551,020 alleles (0.0095%); highest among the groups gnomAD compares: South Asian, 0.037%; no homozygotes.

Submissions (3):

Labcorp Genetics (formerly Invitae), Labcorp
Classification: Uncertain significance for Sphingolipid activator protein 1 deficiency. Last evaluated: 2022-11-03. Review status: criteria provided, single submitter. Criteria: Invitae Variant Classification Sherloc (09022015). Collection method: clinical testing. Allele origin: germline.
Comment: This sequence change replaces leucine, which is neutral and non-polar, with phenylalanine, which is neutral and non-polar, at codon 10 of the PSAP protein (p.Leu10Phe). This variant is present in population databases (rs779742363, gnomAD 0.04%). This variant has not been reported in the literature in individuals affected with PSAP-related conditions. ClinVar contains an entry for this variant (Variation ID: 806507). Advanced modeling of protein sequence and biophysical properties (such as structural, functional, and spatial information, amino acid conservation, physicochemical variation, residue mobility, and thermodynamic stability) performed at Invitae indicates that this missense variant is not expected to disrupt PSAP protein function. In summary, the available evidence is currently insufficient to determine the role of this variant in disease. Therefore, it has been classified as a Variant of Uncertain Significance.

Baylor Genetics
Classification: Uncertain significance for Combined PSAP deficiency. Last evaluated: 2020-03-17. Review status: criteria provided, single submitter. Criteria: ACMG Guidelines, 2015. Collection method: clinical testing. Allele origin: unknown. Affected: yes.
Comment: This variant was determined to be of uncertain significance according to ACMG Guidelines, 2015 [PMID:25741868].

CeGaT Center for Human Genetics Tuebingen
Classification: Uncertain significance. Last evaluated: 2018-11-01. Review status: criteria provided, single submitter. Criteria: CeGaT Center For Human Genetics Tuebingen Variant Classification Criteria Version 2. Collection method: clinical testing. Allele origin: germline. Affected: yes. Observed: 1 variant allele.

NM_002778.4(PSAP):c.28C>T (p.Leu10Phe)

Gene: PSAP (prosaposin; minus strand). Cytogenetic location: 10q22.1.
Variant type: single nucleotide variant.
Coding change: c.28C>T on transcript NM_002778.4 (MANE Select); coding-DNA position 28, C replaced by T.
Protein change: p.Leu10Phe; replaces leucine 10 with phenylalanine.
Molecular consequence: missense variant.
Genome position (GRCh38, 1-based): chr10:71,851,194, G>A on the plus strand (C>T on the coding strand, the complement: PSAP is on the minus strand). VCF-style: chr10-71851194-G-A. GRCh37 (hg19) VCF-style: chr10-73610951-G-A.
Other names: c.28C>T, p.Leu10Phe (NM_001042465.3, NM_001042466.3); short protein forms L10F.
Identifiers: ClinVar variation 806507 (VCV000806507.46), dbSNP rs779742363, ClinGen allele CA5547940.